The following is an entry in ClinVar:

NM_015404.4(WHRN):c.1909C>A (p.Pro637Thr)

Gene: WHRN (whirlin; minus strand). Cytogenetic location: 9q32.
Variant type: single nucleotide variant.
Coding change: c.1909C>A on transcript NM_015404.4 (MANE Select); coding-DNA position 1909, C replaced by A.
Protein change: p.Pro637Thr; replaces proline 637 with threonine.
Molecular consequence: missense variant.
Genome position (GRCh38, 1-based): chr9:114,406,682, G>T on the plus strand (C>A on the coding strand, the complement: WHRN is on the minus strand). VCF-style: chr9-114406682-G-T. GRCh37 (hg19) VCF-style: chr9-117168962-G-T.
Other names: c.760C>A, p.Pro254Thr (NM_001083885.3); c.1909C>A, p.Pro637Thr (NM_001173425.2); c.856C>A, p.Pro286Thr (NM_001346890.1); c.1909C>A (NM_015404.2); short protein forms P254T, P286T, P637T.
Identifiers: ClinVar variation 912539 (VCV000912539.10), dbSNP rs750597763, ClinGen allele CA5205783.

ClinVar aggregate classification (germline): Uncertain significance. Review status: criteria provided, multiple submitters, no conflicts (2 of 4 stars). 4 submissions from 3 submitters: Uncertain significance (4). Last evaluated 2024-06-06.

Conditions:
Autosomal recessive nonsyndromic hearing loss 31. Also called: WHIRLER, MOUSE, HOMOLOG OF. Identifiers: Orphanet 90636, MedGen C1846839, MONDO:0011767, OMIM 607084.
Usher syndrome type 2D. Also called: USHER SYNDROME, TYPE IID. Identifiers: Orphanet 231178, Orphanet 886, MedGen C1568249, MONDO:0012662, OMIM 611383.

Allele frequency attached by ClinVar (database versions not stated): gnomAD exomes below 0.00001; ExAC 0.00001; gnomAD 0.00001; TOPMed 0.00001.
gnomAD v4.1: 15 of 1,614,056 alleles (0.00093%); highest among the groups gnomAD compares: Non-Finnish European, 0.001%; no homozygotes.

Submissions (4):

GeneDx
Classification: Uncertain significance. Last evaluated: 2024-06-06. Review status: criteria provided, single submitter. Criteria: GeneDx Variant Classification Process June 2021. Collection method: clinical testing. Allele origin: germline. Affected: yes.
Comment: Not observed at significant frequency in large population cohorts (gnomAD); In silico analysis indicates that this missense variant does not alter protein structure/function; Has not been previously published as pathogenic or benign to our knowledge

Labcorp Genetics (formerly Invitae), Labcorp
Classification: Uncertain significance. Last evaluated: 2024-02-17. Review status: criteria provided, single submitter. Criteria: Invitae Variant Classification Sherloc (09022015). Collection method: clinical testing. Allele origin: germline.
Comment: This sequence change replaces proline, which is neutral and non-polar, with threonine, which is neutral and polar, at codon 637 of the WHRN protein (p.Pro637Thr). This variant is present in population databases (rs750597763, gnomAD 0.0009%). This variant has not been reported in the literature in individuals affected with WHRN-related conditions. ClinVar contains an entry for this variant (Variation ID: 912539). An algorithm developed to predict the effect of missense changes on protein structure and function (PolyPhen-2) suggests that this variant is likely to be tolerated. In summary, the available evidence is currently insufficient to determine the role of this variant in disease. Therefore, it has been classified as a Variant of Uncertain Significance.

Illumina Laboratory Services, Illumina
Classification: Uncertain significance for Autosomal recessive nonsyndromic hearing loss 31. Last evaluated: 2018-01-12. Review status: criteria provided, single submitter. Criteria: ICSL Variant Classification Criteria 13 December 2019. Collection method: clinical testing. Allele origin: germline.

Illumina Laboratory Services, Illumina
Classification: Uncertain significance for Usher syndrome type 2D. Last evaluated: 2018-01-12. Review status: criteria provided, single submitter. Criteria: ICSL Variant Classification Criteria 13 December 2019. Collection method: clinical testing. Allele origin: germline.